The following is an entry in ClinVar:

NM_012434.5(SLC17A5):c.*1630G>T

Gene: SLC17A5 (solute carrier family 17 member 5; minus strand). Cytogenetic location: 6q13.
Variant type: single nucleotide variant.
Coding change: c.*1630G>T on transcript NM_012434.5 (MANE Select); 1630 bases downstream of the stop codon, G replaced by T.
Molecular consequence: 3 prime UTR variant.
Genome position (GRCh38, 1-based): chr6:73,593,447, C>A on the plus strand (G>T on the coding strand, the complement: SLC17A5 is on the minus strand). VCF-style: chr6-73593447-C-A. GRCh37 (hg19) VCF-style: chr6-74303170-C-A.
Identifiers: ClinVar variation 357898 (VCV000357898.6), dbSNP rs141885984, ClinGen allele CA10622674.

ClinVar aggregate classification (germline): Likely benign (1 of 4 stars; one submission).

Conditions:
Sialic acid storage disease, severe infantile type (ISSD). Also called: INFANTILE SIALIC ACID STORAGE DISORDER; N-ACETYLNEURAMINIC ACID STORAGE DISEASE; NANA STORAGE DISEASE; SIALURIA, INFANTILE FORM; Infantile Sialic Acid Storage Disease; Free sialic acid storage disease, infantile form. Identifiers: Orphanet 309324, Orphanet 834, MedGen C1096902, MONDO:0010027, OMIM 269920.

Allele frequency attached by ClinVar (database versions not stated): gnomAD 0.00053 and 0.00056; TOPMed 0.00057; 1000 Genomes Project 30x 0.00078; 1000 Genomes Project 0.00080.

Submission:

Illumina Laboratory Services, Illumina
Classification: Likely benign for Sialic acid storage disease, severe infantile type. Last evaluated: 2018-01-13. Review status: criteria provided, single submitter. Criteria: ICSL Variant Classification Criteria 13 December 2019. Collection method: clinical testing. Allele origin: germline.
Comment: This variant was observed in the ICSL laboratory as part of a predisposition screen in an ostensibly healthy population. It had not been previously curated by ICSL or reported in the Human Gene Mutation Database (HGMD: prior to June 1st, 2018), and was therefore a candidate for classification through an automated scoring system. Utilizing variant allele frequency, disease prevalence and penetrance estimates, and inheritance mode, an automated score was calculated to assess if this variant is too frequent to cause the disease. Based on the score and internal cut-off values, a variant classified as likely benign is not then subjected to further curation. The score for this variant resulted in a classification of likely benign for this disease.